The following is an entry in ClinVar:

ClinVar aggregate classification (germline): Uncertain significance. Review status: criteria provided, multiple submitters, no conflicts (2 of 4 stars). 2 submissions from 2 submitters: Uncertain significance (2). Last evaluated 2019-10-05.

Submissions (2):

Labcorp Genetics (formerly Invitae), Labcorp
Classification: Uncertain significance. Last evaluated: 2019-10-05. Review status: criteria provided, single submitter. Criteria: Invitae Variant Classification Sherloc (09022015). Collection method: clinical testing. Allele origin: germline.
Comment: Algorithms developed to predict the effect of sequence changes on RNA splicing suggest that this variant may create or strengthen a splice site, but this prediction has not been confirmed by published transcriptional studies. This sequence change replaces glutamine with histidine at codon 226 of the EFEMP1 protein (p.Gln226His). The glutamine residue is highly conserved and there is a small physicochemical difference between glutamine and histidine. This variant is not present in population databases (ExAC no frequency). This variant has not been reported in the literature in individuals with EFEMP1-related conditions. Algorithms developed to predict the effect of missense changes on protein structure and function (SIFT, PolyPhen-2, Align-GVGD) all suggest that this variant is likely to be tolerated, but these predictions have not been confirmed by published functional studies and their clinical significance is uncertain. In summary, the available evidence is currently insufficient to determine the role of this variant in disease. Therefore, it has been classified as a Variant of Uncertain Significance.

Blueprint Genetics
Classification: Uncertain significance. Last evaluated: 2018-09-28. Review status: criteria provided, single submitter. Criteria: ACMG Guidelines, 2015. Collection method: clinical testing. Allele origin: germline.

NM_001039348.3(EFEMP1):c.678A>C (p.Gln226His)

Gene: EFEMP1 (EGF-like fibulin extracellular matrix protein 1; minus strand). Cytogenetic location: 2p16.1.
Variant type: single nucleotide variant.
Coding change: c.678A>C on transcript NM_001039348.3 (MANE Select); coding-DNA position 678, A replaced by C.
Protein change: p.Gln226His; replaces glutamine 226 with histidine.
Molecular consequence: missense variant.
Genome position (GRCh38, 1-based): chr2:55,877,828, T>G on the plus strand (A>C on the coding strand, the complement: EFEMP1 is on the minus strand). VCF-style: chr2-55877828-T-G. GRCh37 (hg19) VCF-style: chr2-56104963-T-G.
Other names: c.678A>C, p.Gln226His (NM_001039349.3); short protein forms Q226H.
Identifiers: ClinVar variation 865993 (VCV000865993.12), dbSNP rs1462190904, ClinGen allele CA347029330.